The following is an entry in ClinVar:

ClinVar aggregate classification (germline): Uncertain significance (1 of 4 stars; one submission).

Submission:

GeneDx
Classification: Uncertain significance. Last evaluated: 2025-05-27. Review status: criteria provided, single submitter. Criteria: GeneDx Variant Classification Process June 2021. Collection method: clinical testing. Allele origin: germline. Affected: yes.
Comment: Not observed at significant frequency in large population cohorts (gnomAD); In silico analysis suggests that this missense variant does not alter protein structure/function; Has not been previously published as pathogenic or benign to our knowledge

NM_005902.4(SMAD3):c.10A>G (p.Ile4Val)

Genes: SMAD3 (SMAD family member 3; plus strand), LOC130057352 (ATAC-STARR-seq lymphoblastoid silent region 6574; plus strand). Cytogenetic location: 15q22.33.
Variant type: single nucleotide variant.
Coding change: c.10A>G on transcript NM_005902.4 (MANE Select); coding-DNA position 10, A replaced by G.
Protein change: p.Ile4Val; replaces isoleucine 4 with valine.
Molecular consequence: missense variant.
Genome position (GRCh38, 1-based): chr15:67,066,164, A>G. VCF-style: chr15-67066164-A-G. GRCh37 (hg19) VCF-style: chr15-67358502-A-G.
Other names: c.10A>G, p.Ile4Val (NM_001407011.1, NM_001407012.1, NM_001407013.1); short protein forms I4V.
Identifiers: ClinVar variation 4532572 (VCV004532572.1).